The following is an entry in ClinVar:

ClinVar aggregate classification (germline): Uncertain significance. Review status: criteria provided, multiple submitters, no conflicts (2 of 4 stars). 2 submissions from 2 submitters: Uncertain significance (2). Last evaluated 2023-05-27.

Conditions:
Hereditary cancer-predisposing syndrome. Also called: Tumor predisposition; Hereditary neoplastic syndrome; Neoplastic Syndromes, Hereditary; Hereditary Cancer Syndrome. Identifiers: Orphanet 140162, MedGen C0027672, MeSH D009386, MONDO:0015356.
Hereditary nonpolyposis colorectal neoplasms. Identifiers: MedGen C0009405, MeSH D003123.

Submissions (2):

Ambry Genetics
Classification: Uncertain significance for Hereditary cancer-predisposing syndrome. Last evaluated: 2023-05-27. Review status: criteria provided, single submitter. Criteria: Ambry Variant Classification Scheme 2023. Collection method: clinical testing. Allele origin: germline.
Comment: The p.S806T variant (also known as c.2416T>A), located in coding exon 4 of the MSH6 gene, results from a T to A substitution at nucleotide position 2416. The serine at codon 806 is replaced by threonine, an amino acid with similar properties. This amino acid position is conserved. In addition, this alteration is predicted to be tolerated by in silico analysis. Since supporting evidence is limited at this time, the clinical significance of this alteration remains unclear.

Labcorp Genetics (formerly Invitae), Labcorp
Classification: Uncertain significance for Hereditary nonpolyposis colorectal neoplasms. Last evaluated: 2019-12-04. Review status: criteria provided, single submitter. Criteria: Invitae Variant Classification Sherloc (09022015). Collection method: clinical testing. Allele origin: germline.
Comment: In summary, the available evidence is currently insufficient to determine the role of this variant in disease. Therefore, it has been classified as a Variant of Uncertain Significance. Algorithms developed to predict the effect of missense changes on protein structure and function output the following: SIFT: "Tolerated"; PolyPhen-2: "Benign"; Align-GVGD: "Class C0". The threonine amino acid residue is found in multiple mammalian species, suggesting that this missense change does not adversely affect protein function. These predictions have not been confirmed by published functional studies and their clinical significance is uncertain. This variant has not been reported in the literature in individuals with MSH6-related conditions. This variant is not present in population databases (ExAC no frequency). This sequence change replaces serine with threonine at codon 806 of the MSH6 protein (p.Ser806Thr). The serine residue is moderately conserved and there is a small physicochemical difference between serine and threonine.

NM_000179.3(MSH6):c.2416T>A (p.Ser806Thr)

Gene: MSH6 (mutS homolog 6; plus strand). Cytogenetic location: 2p16.3.
Variant type: single nucleotide variant.
Coding change: c.2416T>A on transcript NM_000179.3 (MANE Select); coding-DNA position 2416, T replaced by A.
Protein change: p.Ser806Thr; replaces serine 806 with threonine.
Molecular consequence: missense variant.
Genome position (GRCh38, 1-based): chr2:47,800,399, T>A. VCF-style: chr2-47800399-T-A. GRCh37 (hg19) VCF-style: chr2-48027538-T-A.
Other names: c.2026T>A, p.Ser676Thr (NM_001281492.2); c.1510T>A, p.Ser504Thr (NM_001281493.2, NM_001281494.2); short protein forms S676T, S806T, S504T.
Identifiers: ClinVar variation 847677 (VCV000847677.12), dbSNP rs1669459644, ClinGen allele CA346754000.
Genomic context (GRCh38, chr2:47,800,399, plus strand): 5'-TATGCTATTAATGATCGTCTAGATGCCATAGAAGACCTCATGGTTGTGCCTGACAAAATC[T>A]CCGAAGTTGTAGAGCTTCTAAAGAAGCTTCCAGATCTTGAGAGGCTACTCAGTAAAATTC-3'
Protein context (NP_000170.1, residues 796-816): EDLMVVPDKI[Ser806Thr]EVVELLKKLP